The following is an entry in ClinVar:

ClinVar aggregate classification (germline): Uncertain significance (1 of 4 stars; one submission).

Allele frequency attached by ClinVar (database versions not stated): ExAC 0.00001; gnomAD exomes 0.00001; TOPMed 0.00002; gnomAD 0.00003; 1000 Genomes Project 0.00020; 1000 Genomes Project 30x 0.00031.
gnomAD v4.1: 18 of 1,613,978 alleles (0.0011%); highest among the groups gnomAD compares: Admixed American, 0.023%; no homozygotes.

Submission:

Labcorp Genetics (formerly Invitae), Labcorp
Classification: Uncertain significance. Last evaluated: 2025-02-17. Review status: criteria provided, single submitter. Criteria: Invitae Variant Classification Sherloc (09022015). Collection method: clinical testing. Allele origin: germline.
Comment: This sequence change falls in intron 3 of the GRHL2 gene. It does not directly change the encoded amino acid sequence of the GRHL2 protein. This variant is present in population databases (rs200781848, gnomAD 0.009%). This variant has not been reported in the literature in individuals affected with GRHL2-related conditions. ClinVar contains an entry for this variant (Variation ID: 1897105). Algorithms developed to predict the effect of sequence changes on RNA splicing suggest that this variant may disrupt the consensus splice site. In summary, the available evidence is currently insufficient to determine the role of this variant in disease. Therefore, it has been classified as a Variant of Uncertain Significance.

NM_024915.4(GRHL2):c.285-14G>A

Gene: GRHL2 (grainyhead like transcription factor 2; plus strand). Cytogenetic location: 8q22.3.
Variant type: single nucleotide variant.
Coding change: c.285-14G>A on transcript NM_024915.4 (MANE Select); 14 bases into the intron before coding-DNA position 285, G replaced by A.
Molecular consequence: intron variant.
Genome position (GRCh38, 1-based): chr8:101,558,405, G>A. VCF-style: chr8-101558405-G-A. GRCh37 (hg19) VCF-style: chr8-102570633-G-A.
Other names: c.237-14G>A (NM_001330593.2).
Identifiers: ClinVar variation 1897105 (VCV001897105.5), dbSNP rs200781848, ClinGen allele CA4830276.